The following is an entry in ClinVar:

NM_001105206.3(LAMA4):c.1778A>T (p.His593Leu)

Gene: LAMA4 (laminin subunit alpha 4; minus strand). Cytogenetic location: 6q21.
Variant type: single nucleotide variant.
Coding change: c.1778A>T on transcript NM_001105206.3 (MANE Select); coding-DNA position 1778, A replaced by T.
Protein change: p.His593Leu; replaces histidine 593 with leucine.
Molecular consequence: missense variant.
Genome position (GRCh38, 1-based): chr6:112,158,771, T>A on the plus strand (A>T on the coding strand, the complement: LAMA4 is on the minus strand). VCF-style: chr6-112158771-T-A. GRCh37 (hg19) VCF-style: chr6-112479973-T-A.
Other names: c.1757A>T, p.His586Leu (NM_001105207.3, NM_002290.5); short protein forms H593L, H586L.
Identifiers: ClinVar variation 1779488 (VCV001779488.2), dbSNP rs751004946, ClinGen allele CA365365505.
Genomic context (GRCh38, chr6:112,158,771, plus strand): 5'-TTTCTAAAACCAGGATATTACCTGCTCAATTCATTAGCTTCTTGTTGAAGGTCCTGTGCA[T>A]GGTCAATAGCTTCTTGGACTAAATCATGGCTGAGGTTACTTAGGTTAGATAGTTTTACTT-3'
Protein context (NP_001098676.2, residues 583-603): SHDLVQEAID[His593Leu]AQDLQQEANE

ClinVar aggregate classification (germline): Uncertain significance (1 of 4 stars; one submission).

Conditions:
Cardiovascular phenotype. Identifiers: MedGen CN230736.

Submission:

Ambry Genetics
Classification: Uncertain significance for Cardiovascular phenotype. Last evaluated: 2019-08-02. Review status: criteria provided, single submitter. Criteria: Ambry Variant Classification Scheme 2023. Collection method: clinical testing. Allele origin: germline.
Comment: The p.H586L variant (also known as c.1757A>T), located in coding exon 13 of the LAMA4 gene, results from an A to T substitution at nucleotide position 1757. The histidine at codon 586 is replaced by leucine, an amino acid with similar properties. This amino acid position is highly conserved on limited sequence alignment. In addition, this alteration is predicted to be tolerated by in silico analysis. Since supporting evidence is limited at this time, the clinical significance of this alteration remains unclear.